The following is an entry in ClinVar:

ClinVar aggregate classification (germline): Uncertain significance (1 of 4 stars; one submission).

Conditions:
Noonan syndrome 8 (NS8). Identifiers: Orphanet 648, MedGen C3809233, MONDO:0014143, OMIM 615355.

Allele frequency attached by ClinVar (database versions not stated): TOPMed below 0.00001; gnomAD 0.00001.
gnomAD v4.1: 5 of 1,614,116 alleles (0.00031%); highest among the groups gnomAD compares: African/African-American, 0.0013%; no homozygotes.

Submission:

Labcorp Genetics (formerly Invitae), Labcorp
Classification: Uncertain significance for Noonan syndrome 8. Last evaluated: 2024-02-11. Review status: criteria provided, single submitter. Criteria: Invitae Variant Classification Sherloc (09022015). Collection method: clinical testing. Allele origin: germline.
Comment: This sequence change replaces arginine, which is basic and polar, with proline, which is neutral and non-polar, at codon 6 of the RIT1 protein (p.Arg6Pro). This variant is present in population databases (no rsID available, gnomAD 0.01%). This variant has not been reported in the literature in individuals affected with RIT1-related conditions. ClinVar contains an entry for this variant (Variation ID: 1903746). Advanced modeling of protein sequence and biophysical properties (such as structural, functional, and spatial information, amino acid conservation, physicochemical variation, residue mobility, and thermodynamic stability) performed at Invitae indicates that this missense variant is not expected to disrupt RIT1 protein function with a negative predictive value of 95%. In summary, the available evidence is currently insufficient to determine the role of this variant in disease. Therefore, it has been classified as a Variant of Uncertain Significance.

NM_006912.6(RIT1):c.17G>C (p.Arg6Pro)

Gene: RIT1 (Ras like without CAAX 1; minus strand). Cytogenetic location: 1q22.
Variant type: single nucleotide variant.
Coding change: c.17G>C on transcript NM_006912.6 (MANE Select); coding-DNA position 17, G replaced by C.
Protein change: p.Arg6Pro; replaces arginine 6 with proline.
Molecular consequence: missense variant. On other transcripts: intron variant (1).
Genome position (GRCh38, 1-based): chr1:155,910,745, C>G on the plus strand (G>C on the coding strand, the complement: RIT1 is on the minus strand). VCF-style: chr1-155910745-C-G. GRCh37 (hg19) VCF-style: chr1-155880536-C-G.
Other names: c.68G>C, p.Arg23Pro (NM_001256821.2); c.-2-239G>C (NM_001256820.2); short protein forms R23P, R6P.
Identifiers: ClinVar variation 1903746 (VCV001903746.5), dbSNP rs1255067143, ClinGen allele CA342776536.